The following is an entry in ClinVar:

NM_001165963.4(SCN1A):c.2311G>A (p.Asp771Asn)

Gene: SCN1A (sodium voltage-gated channel alpha subunit 1; minus strand). Cytogenetic location: 2q24.3.
Variant type: single nucleotide variant.
Coding change: c.2311G>A on transcript NM_001165963.4 (MANE Select); coding-DNA position 2311, G replaced by A.
Protein change: p.Asp771Asn; replaces aspartic acid 771 with asparagine.
Molecular consequence: missense variant. On other transcripts: 5 prime UTR variant (1), non-coding transcript variant (1).
Genome position (GRCh38, 1-based): chr2:166,041,335, C>T on the plus strand (G>A on the coding strand, the complement: SCN1A is on the minus strand). VCF-style: chr2-166041335-C-T. GRCh37 (hg19) VCF-style: chr2-166897845-C-T.
Other names: c.2227G>A, p.Asp743Asn (NM_001165964.3, NM_001353957.2, NM_001353958.2); c.2311G>A, p.Asp771Asn (NM_001202435.3, NM_001353948.2); c.2278G>A, p.Asp760Asn (NM_001353949.2, NM_001353950.2, NM_001353951.2 and 2 more transcripts); c.2275G>A, p.Asp759Asn (NM_001353954.2, NM_001353955.2); c.2224G>A, p.Asp742Asn (NM_001353960.2); c.-148G>A (NM_001353961.2); short protein forms D742N, D760N, D743N, D759N, D771N.
Identifiers: ClinVar variation 2095749 (VCV002095749.4), dbSNP rs2468131029, ClinGen allele CA349064381.

ClinVar aggregate classification (germline): Uncertain significance (1 of 4 stars; one submission).

Conditions:
Early-infantile DEE. Also called: Early infantile epileptic encephalopathy; Early infantile epileptic encephalopathy with suppression bursts; Ohtahara syndrome. Identifiers: Orphanet 1934, MedGen C0393706, MONDO:0800491.

Submission:

Labcorp Genetics (formerly Invitae), Labcorp
Classification: Uncertain significance for Early-infantile DEE. Last evaluated: 2024-02-17. Review status: criteria provided, single submitter. Criteria: Invitae Variant Classification Sherloc (09022015). Collection method: clinical testing. Allele origin: germline.
Comment: This sequence change replaces aspartic acid, which is acidic and polar, with asparagine, which is neutral and polar, at codon 771 of the SCN1A protein (p.Asp771Asn). This variant is not present in population databases (gnomAD no frequency). This variant has not been reported in the literature in individuals affected with SCN1A-related conditions. ClinVar contains an entry for this variant (Variation ID: 2095749). Advanced modeling of protein sequence and biophysical properties (such as structural, functional, and spatial information, amino acid conservation, physicochemical variation, residue mobility, and thermodynamic stability) performed at Invitae indicates that this missense variant is expected to disrupt SCN1A protein function with a positive predictive value of 95%. In summary, the available evidence is currently insufficient to determine the role of this variant in disease. Therefore, it has been classified as a Variant of Uncertain Significance.